The following is an entry in ClinVar:

ClinVar aggregate classification (germline): Likely pathogenic. Review status: criteria provided, multiple submitters, no conflicts (2 of 4 stars). 3 submissions from 3 submitters: Likely pathogenic (3). Last evaluated 2026-08-06.

Conditions:
Atrioventricular septal defect, susceptibility to, 2. Identifiers: MedGen C1853508, MONDO:0011650, OMIM 606217.
Inborn genetic diseases. Identifiers: MedGen C0950123, MeSH D030342.

gnomAD v4.1: 6 of 1,612,196 alleles (0.00037%); highest among the groups gnomAD compares: South Asian, 0.0011%; no homozygotes.

Submissions (3):

OLLIN Analises Genomicas, OLLIN
Classification: Likely pathogenic for Atrioventricular septal defect, susceptibility to, 2. Last evaluated: 2026-08-06. Review status: criteria provided, single submitter. Criteria: ACMG Guidelines 2015 PMID 25741868. Collection method: clinical testing. Allele origin: germline. Inheritance: Autosomal dominant inheritance.
Comment: This variant, located at the canonical splicing site (splice donor), has been reported in ClinVar (accession VCV003361931.2) and in gnomAD with an allele frequency of 0.00037%. However, to our knowledge, it has not been reported in the scientific literature. This variant is predicted to disrupt a canonical splice site, potentially leading to exon skipping, mRNA degradation via nonsense-mediated decay (NMD), or production of a truncated protein. According to the currently available evidence, this variant has been classified as likely pathogenic (PVS1, PM2_P).

Ambry Genetics
Classification: Likely pathogenic for Inborn genetic diseases. Last evaluated: 2025-03-20. Review status: criteria provided, single submitter. Criteria: Ambry Variant Classification Scheme 2023. Collection method: clinical testing. Allele origin: germline.
Comment: The c.460+1G>A intronic variant results from a G to A substitution one nucleotide after coding exon 4 of the CRELD1 gene. Alterations that disrupt the canonical splice site are expected to cause aberrant splicing, resulting in an abnormal protein or a transcript that is subject to nonsense-mediated mRNA decay. Based on data from gnomAD, the A allele has an overall frequency of <0.001% (1/249722) total alleles studied. The highest observed frequency was 0.001% (1/112922) of European (non-Finnish) alleles. This nucleotide position is highly conserved in available vertebrate species. In silico splice site analysis predicts that this alteration will weaken the native splice donor site. Based on the available evidence, this alteration is classified as likely pathogenic.

GeneDx
Classification: Likely pathogenic. Last evaluated: 2024-04-01. Review status: criteria provided, single submitter. Criteria: GeneDx Variant Classification Process June 2021. Collection method: clinical testing. Allele origin: germline. Affected: yes.
Comment: Canonical splice site variant predicted to result in a null allele in a gene for which loss of function is a known mechanism of disease; Not observed at significant frequency in large population cohorts (gnomAD); Has not been previously published as pathogenic or benign to our knowledge

NM_001077415.3(CRELD1):c.460+1G>A

Gene: CRELD1 (CRELD disulfide isomerase 1; plus strand). Cytogenetic location: 3p25.3.
Variant type: single nucleotide variant.
Coding change: c.460+1G>A on transcript NM_001077415.3 (MANE Select); the canonical splice donor site of the intron after coding-DNA position 460, G replaced by A.
Molecular consequence: splice donor variant.
Genome position (GRCh38, 1-based): chr3:9,938,107, G>A. VCF-style: chr3-9938107-G-A. GRCh37 (hg19) VCF-style: chr3-9979791-G-A.
Other names: c.460+1G>A (NM_001374317.1, NM_001031717.4, NM_001374319.1 and 6 more transcripts).
Identifiers: ClinVar variation 3361931 (VCV003361931.3).
Genomic context (GRCh38, chr3:9,938,107, plus strand): 5'-TGTGCTCAGATTCCCTGAAGCTCTGCTGCCCCGCAGGCACCTTCGGGCCCTCCTGCCTTC[G>A]TGAGTTTTTAAGTTGCTCTTGGGGATGGGAGGGGACCACCGAGTCCAGGGATCCAGTCCT-3'